The following is an entry in ClinVar:

NM_001386140.1(MTTP):c.590C>T (p.Ala197Val)

Gene: MTTP (microsomal triglyceride transfer protein; plus strand). Cytogenetic location: 4q23.
Variant type: single nucleotide variant.
Coding change: c.590C>T on transcript NM_001386140.1 (MANE Select); coding-DNA position 590, C replaced by T.
Protein change: p.Ala197Val; replaces alanine 197 with valine.
Molecular consequence: missense variant.
Genome position (GRCh38, 1-based): chr4:99,591,323, C>T. VCF-style: chr4-99591323-C-T. GRCh37 (hg19) VCF-style: chr4-100512480-C-T.
Other names: c.590C>T, p.Ala197Val (NM_000253.4); c.341C>T, p.Ala114Val (NM_001300785.2); short protein forms A114V, A197V.
Identifiers: ClinVar variation 1986163 (VCV001986163.2), dbSNP rs137997894, ClinGen allele CA3021890.
Genomic context (GRCh38, chr4:99,591,323, plus strand): 5'-CCTACCAGGCTCATCAAGACAAAGTGATCAAAATTAAGGCCTTGGATTCATGCAAAATAG[C>T]GAGGTCTGGATTTACGACCCCAAATCAGGTATGATAGATGTCACTTTCTTTGAGGCATTA-3'
Protein context (NP_001373069.1, residues 187-207): KIKALDSCKI[Ala197Val]RSGFTTPNQV

ClinVar aggregate classification (germline): Uncertain significance (1 of 4 stars; one submission).

Allele frequency attached by ClinVar (database versions not stated): ExAC 0.00002; 1000 Genomes Project 30x 0.00016; 1000 Genomes Project 0.00020.

Submissions (2):

Labcorp Genetics (formerly Invitae), Labcorp
Classification: Uncertain significance. Last evaluated: 2022-03-04. Review status: criteria provided, single submitter. Criteria: Invitae Variant Classification Sherloc (09022015). Collection method: clinical testing. Allele origin: germline.
Comment: This sequence change replaces alanine, which is neutral and non-polar, with valine, which is neutral and non-polar, at codon 197 of the MTTP protein (p.Ala197Val). This variant is present in population databases (rs137997894, gnomAD 0.007%). This variant has not been reported in the literature in individuals affected with MTTP-related conditions. Algorithms developed to predict the effect of missense changes on protein structure and function output the following: SIFT: "Tolerated"; PolyPhen-2: "Benign"; Align-GVGD: "Class C0". The valine amino acid residue is found in multiple mammalian species, which suggests that this missense change does not adversely affect protein function. Algorithms developed to predict the effect of sequence changes on RNA splicing suggest that this variant may create or strengthen a splice site. In summary, the available evidence is currently insufficient to determine the role of this variant in disease. Therefore, it has been classified as a Variant of Uncertain Significance.

Dr. Peter K. Rogan Lab, Western University
No classification provided (evidence only). Condition: Gastric cancer. Review status: no classification provided. Collection method: in vitro. Allele origin: not applicable. Functional consequence: retained intron. Not counted in ClinVar's aggregate classification.